The following is an entry in ClinVar:

ClinVar aggregate classification (germline): Conflicting classifications of pathogenicity. Review status: criteria provided, conflicting classifications (1 of 4 stars). 4 submissions from 4 submitters: Likely pathogenic (2); Uncertain significance (2). Last evaluated 2023-04-04.

Conditions:
Cardiovascular phenotype. Identifiers: MedGen CN230736.
Hypertrophic cardiomyopathy 1 (CMH1). Also called: Familial hypertrophic cardiomyopathy 1; MYH7-Related Familial Hypertrophic Cardiomyopathy. Identifiers: MedGen C3495498, MONDO:0008647, OMIM 192600.

Submissions (4):

Molecular Diagnostic Laboratory for Inherited Cardiovascular Disease, Montreal Heart Institute
Classification: Likely pathogenic for Cardiovascular phenotype. Last evaluated: 2023-04-04. Review status: criteria provided, single submitter. Criteria: ACMG Guidelines, 2015. Collection method: clinical testing. Allele origin: germline. Affected: yes.

GeneDx
Classification: Uncertain significance. Last evaluated: 2022-10-14. Review status: criteria provided, single submitter. Criteria: GeneDx Variant Classification Process June 2021. Collection method: clinical testing. Allele origin: germline. Affected: yes.
Comment: Reported in probands with HCM and identified in two relatives with hypertrophy in one family; however, detailed clinical information was not provided (Garca-Castro et al., 2009; Coto et al., 2012); Not observed at significant frequency in large population cohorts (gnomAD); In silico analysis supports that this missense variant has a deleterious effect on protein structure/function; This variant is associated with the following publications: (PMID: 27532257, 29300372, 22765922, 19150014)

Mendelics
Classification: Uncertain significance. Last evaluated: 2022-05-04. Review status: criteria provided, single submitter. Criteria: Mendelics Assertion Criteria 2019. Collection method: clinical testing. Allele origin: germline.

Victorian Clinical Genetics Services, Murdoch Childrens Research Institute
Classification: Likely pathogenic for Hypertrophic cardiomyopathy 1. Last evaluated: 2022-02-02. Review status: criteria provided, single submitter. Criteria: ACMG Guidelines, 2015. Collection method: clinical testing. Allele origin: germline. Inheritance: Autosomal dominant inheritance. Affected: yes.
Comment: Based on the classification scheme VCGS_Germline_v1.3.4, this variant is classified as Likely Pathogenic. Following criteria are met: 0105 - The mechanism of disease for this gene is not clearly established, however, missense variants have been proposed to act in a dominant negative manner (PMID: 24714796). (I) 0108 - This gene is associated with both recessive and dominant disease. Pathogenic variants in this gene are usually heterozygous, however a recessive inheritance pattern has been observed in severe cases (OMIM). (I) 0112 - The condition associated with this gene has incomplete penetrance (PMID: 29300372). (I) 0200 - Variant is predicted to result in a missense amino acid change from alanine to valine. (I) 0251 - This variant is heterozygous. (I) 0301 - Variant is absent from gnomAD (both v2 and v3). (SP) 0501 - Missense variant consistently predicted to be damaging by multiple in silico tools or highly conserved with a major amino acid change. (SP) 0602 - Variant is located in a hotspot region or cluster of pathogenic variants. This variant is found within the head region, which is enriched with pathogenic missense variants (PMID: 29300372). (SP) 0705 - No comparable missense variants have previous evidence for pathogenicity. (I) 0802 - This variant has moderate previous evidence of pathogenicity in unrelated individuals. This variant has been reported as likely pathogenic and pathogenic (LOVD), and observed in at least two families with hypertrophic cardiomyopathy (PMID: 28381408, PMID: 19150014, PMID: 20594303). (SP) 0906 - Segregation evidence for this variant is inconclusive. This variant has been reported to segregate in an affected mother (PMID: 28381408, PMID: 19150014). (I) 1007 - No published functional evidence has been identified for this variant. (I) 1208 - Inheritance information for this variant is not currently available in this individual. (I) Legend: (SP) - Supporting pathogenic, (I) - Information, (SB) - Supporting benign

Literature cited by the submitters: PubMed 19150014 (cited by Victorian Clinical Genetics Services, Murdoch Childrens Research Institute); PubMed 20594303 (cited by Victorian Clinical Genetics Services, Murdoch Childrens Research Institute); PubMed 24714796 (cited by Victorian Clinical Genetics Services, Murdoch Childrens Research Institute); PubMed 28381408 (cited by Victorian Clinical Genetics Services, Murdoch Childrens Research Institute); PubMed 29300372 (cited by Victorian Clinical Genetics Services, Murdoch Childrens Research Institute).

NM_000257.4(MYH7):c.1748C>T (p.Ala583Val)

Gene: MYH7 (myosin heavy chain 7; minus strand). Cytogenetic location: 14q11.2.
Variant type: single nucleotide variant.
Coding change: c.1748C>T on transcript NM_000257.4 (MANE Select); coding-DNA position 1748, C replaced by T.
Protein change: p.Ala583Val; replaces alanine 583 with valine.
Molecular consequence: missense variant.
Genome position (GRCh38, 1-based): chr14:23,427,725, G>A on the plus strand (C>T on the coding strand, the complement: MYH7 is on the minus strand). VCF-style: chr14-23427725-G-A. GRCh37 (hg19) VCF-style: chr14-23896934-G-A.
Other names: c.1748C>T (NM_000257.3, NM_000257.2); short protein forms A583V.
Identifiers: ClinVar variation 1684932 (VCV001684932.4), dbSNP rs2138672244, ClinGen allele CA389049896.